The following is an entry in ClinVar:

NM_021167.5(GATAD1):c.62A>G (p.Lys21Arg)

Genes: GATAD1 (GATA zinc finger domain containing 1; plus strand), LOC129998793 (ATAC-STARR-seq lymphoblastoid silent region 18371; plus strand). Cytogenetic location: 7q21.2.
Variant type: single nucleotide variant.
Coding change: c.62A>G on transcript NM_021167.5 (MANE Select); coding-DNA position 62, A replaced by G.
Protein change: p.Lys21Arg; replaces lysine 21 with arginine.
Molecular consequence: missense variant. On other transcripts: non-coding transcript variant (1).
Genome position (GRCh38, 1-based): chr7:92,447,791, A>G. VCF-style: chr7-92447791-A-G. GRCh37 (hg19) VCF-style: chr7-92077105-A-G.
Other names: short protein forms K21R.
Identifiers: ClinVar variation 1752705 (VCV001752705.6), dbSNP rs1562816127, ClinGen allele CA368154835.

ClinVar aggregate classification (germline): Uncertain significance. Review status: criteria provided, multiple submitters, no conflicts (2 of 4 stars). 2 submissions from 2 submitters: Uncertain significance (2). Last evaluated 2024-08-19.

Conditions:
Cardiovascular phenotype. Identifiers: MedGen CN230736.
Dilated cardiomyopathy 2B. Identifiers: Orphanet 154, MedGen C3553409, MONDO:0013848, OMIM 614672.

Allele frequency attached by ClinVar (database versions not stated): gnomAD exomes 0.00001.
gnomAD v4.1: 7 of 1,496,760 alleles (0.00047%); highest among the groups gnomAD compares: Admixed American, 0.0023%; no homozygotes.

Submissions (2):

Ambry Genetics
Classification: Uncertain significance for Cardiovascular phenotype. Last evaluated: 2024-08-19. Review status: criteria provided, single submitter. Criteria: Ambry Variant Classification Scheme 2023. Collection method: clinical testing. Allele origin: germline.
Comment: The p.K21R variant (also known as c.62A>G), located in coding exon 1 of the GATAD1 gene, results from an A to G substitution at nucleotide position 62. The lysine at codon 21 is replaced by arginine, an amino acid with highly similar properties. This amino acid position is highly conserved in available vertebrate species. In addition, this alteration is predicted to be tolerated by in silico analysis. Since supporting evidence is limited at this time, the clinical significance of this alteration remains unclear.

Labcorp Genetics (formerly Invitae), Labcorp
Classification: Uncertain significance for Dilated cardiomyopathy 2B. Last evaluated: 2024-02-25. Review status: criteria provided, single submitter. Criteria: Invitae Variant Classification Sherloc (09022015). Collection method: clinical testing. Allele origin: germline.
Comment: This sequence change replaces lysine, which is basic and polar, with arginine, which is basic and polar, at codon 21 of the GATAD1 protein (p.Lys21Arg). This variant is not present in population databases (gnomAD no frequency). This variant has not been reported in the literature in individuals affected with GATAD1-related conditions. ClinVar contains an entry for this variant (Variation ID: 1752705). Advanced modeling of protein sequence and biophysical properties (such as structural, functional, and spatial information, amino acid conservation, physicochemical variation, residue mobility, and thermodynamic stability) performed at Invitae indicates that this missense variant is not expected to disrupt GATAD1 protein function with a negative predictive value of 80%. In summary, the available evidence is currently insufficient to determine the role of this variant in disease. Therefore, it has been classified as a Variant of Uncertain Significance.